The following is an entry in ClinVar:

NM_014283.5(SUCO):c.1957A>G (p.Ser653Gly)

Gene: SUCO (SUN domain containing ossification factor; plus strand). Cytogenetic location: 1q24.3.
Variant type: single nucleotide variant.
Coding change: c.1957A>G on transcript NM_014283.5 (MANE Select); coding-DNA position 1957, A replaced by G.
Protein change: p.Ser653Gly; replaces serine 653 with glycine.
Molecular consequence: missense variant. On other transcripts: intron variant (1).
Genome position (GRCh38, 1-based): chr1:172,589,058, A>G. VCF-style: chr1-172589058-A-G. GRCh37 (hg19) VCF-style: chr1-172558198-A-G.
Other names: c.268A>G, p.Ser90Gly (NM_001282751.2); c.2410A>G, p.Ser804Gly (NM_016227.4); c.1712+134A>G (NM_001282750.2); short protein forms S653G, S804G, S90G.
Identifiers: ClinVar variation 2699029 (VCV002699029.3), dbSNP rs2527420835, ClinGen allele CA343742222.

ClinVar aggregate classification (germline): Uncertain significance (1 of 4 stars; one submission).

Submission:

Labcorp Genetics (formerly Invitae), Labcorp
Classification: Uncertain significance. Last evaluated: 2023-11-25. Review status: criteria provided, single submitter. Criteria: Invitae Variant Classification Sherloc (09022015). Collection method: clinical testing. Allele origin: germline.
Comment: This sequence change replaces serine, which is neutral and polar, with glycine, which is neutral and non-polar, at codon 653 of the SUCO protein (p.Ser653Gly). This variant is not present in population databases (gnomAD no frequency). This variant has not been reported in the literature in individuals affected with SUCO-related conditions. An algorithm developed to predict the effect of missense changes on protein structure and function (PolyPhen-2) suggests that this variant is likely to be tolerated. In summary, the available evidence is currently insufficient to determine the role of this variant in disease. Therefore, it has been classified as a Variant of Uncertain Significance.